The following is an entry in ClinVar:

ClinVar aggregate classification (germline): Uncertain significance (1 of 4 stars; one submission).

Conditions:
Hereditary cancer-predisposing syndrome. Also called: Neoplastic Syndromes, Hereditary; Hereditary neoplastic syndrome; Tumor predisposition; Hereditary Cancer Syndrome. Identifiers: Orphanet 140162, MedGen C0027672, MeSH D009386, MONDO:0015356.

Submission:

Ambry Genetics
Classification: Uncertain significance for Hereditary cancer-predisposing syndrome. Last evaluated: 2026-02-19. Review status: criteria provided, single submitter. Criteria: Ambry Variant Classification Scheme 2023. Collection method: clinical testing. Allele origin: germline.
Comment: The p.R53G variant (also known as c.157A>G), located in coding exon 2 of the EGFR gene, results from an A to G substitution at nucleotide position 157. The arginine at codon 53 is replaced by glycine, an amino acid with dissimilar properties. This amino acid position is conserved. In addition, this alteration is predicted to be deleterious by in silico analysis. Based on the available evidence, the clinical significance of this variant remains unclear.

NM_005228.5(EGFR):c.157A>G (p.Arg53Gly)

Gene: EGFR (epidermal growth factor receptor; plus strand). Cytogenetic location: 7p11.2.
Variant type: single nucleotide variant.
Coding change: c.157A>G on transcript NM_005228.5 (MANE Select); coding-DNA position 157, A replaced by G.
Protein change: p.Arg53Gly; replaces arginine 53 with glycine.
Molecular consequence: missense variant. On other transcripts: 5 prime UTR variant (1), intron variant (1).
Genome position (GRCh38, 1-based): chr7:55,142,354, A>G. VCF-style: chr7-55142354-A-G. GRCh37 (hg19) VCF-style: chr7-55210047-A-G.
Other names: c.157A>G, p.Arg53Gly (NM_001346897.2, NM_001346898.2, NM_001346899.2 and 3 more transcripts); c.-3A>G (NM_001346900.2); c.89-13476A>G (NM_001346941.2); short protein forms R53G.
Identifiers: ClinVar variation 4824487 (VCV004824487.1).